The following is an entry in ClinVar:

NM_144651.5(PXDNL):c.1302T>C (p.His434=)

Gene: PXDNL (peroxidasin like; minus strand). Cytogenetic location: 8q11.22.
Variant type: single nucleotide variant.
Coding change: c.1302T>C on transcript NM_144651.5 (MANE Select); coding-DNA position 1302, T replaced by C.
Protein change: p.His434=; no amino-acid change (histidine 434 retained).
Molecular consequence: synonymous variant.
Genome position (GRCh38, 1-based): chr8:51,449,066, A>G on the plus strand (T>C on the coding strand, the complement: PXDNL is on the minus strand). VCF-style: chr8-51449066-A-G. GRCh37 (hg19) VCF-style: chr8-52361626-A-G.
Identifiers: ClinVar variation 776327 (VCV000776327.6), dbSNP rs78830016, ClinGen allele CA4745388.

ClinVar aggregate classification (germline): Benign. Review status: criteria provided, multiple submitters, no conflicts (2 of 4 stars). 3 submissions from 3 submitters: Benign (2). 1 of the submissions does not count toward it. Last evaluated 2018-06-18.

Conditions:
PXDNL-related disorder. Also called: PXDNL-related condition.

Allele frequency attached by ClinVar (database versions not stated): gnomAD exomes 0.00321; ExAC 0.00607; ESP Exome Variant Server 0.01293; 1000 Genomes Project 30x 0.01343; gnomAD 0.01372 and 0.01467; 1000 Genomes Project 0.01398; TOPMed 0.01599.
gnomAD v4.1: 4,132 of 1,553,342 alleles (0.27%); highest among the groups gnomAD compares: African/African-American, 4.8%; 84 homozygotes.

Submissions (3):

Labcorp Genetics (formerly Invitae), Labcorp
Classification: Benign. Last evaluated: 2018-06-18. Review status: criteria provided, single submitter. Criteria: Invitae Variant Classification Sherloc (09022015). Collection method: clinical testing. Allele origin: germline.

Breakthrough Genomics
Classification: Benign. Review status: criteria provided, single submitter. Criteria: ACMG Guidelines, 2015. Collection method: not provided. Allele origin: germline. Inheritance: Unknown mechanism. Affected: yes.

PreventionGenetics, part of Exact Sciences
Classification: Benign for PXDNL-related condition. Last evaluated: 2019-02-16. Review status: no assertion criteria provided. Collection method: clinical testing. Allele origin: germline. Not counted in ClinVar's aggregate classification.
Comment: This variant is classified as benign based on ACMG/AMP sequence variant interpretation guidelines (Richards et al. 2015 PMID: 25741868, with internal and published modifications).